The following is an entry in ClinVar:

ClinVar aggregate classification (germline): Likely benign. Review status: criteria provided, multiple submitters, no conflicts (2 of 4 stars). 4 submissions from 4 submitters: Likely benign (2). 2 of the submissions do not count toward it. Last evaluated 2026-01-21.

Conditions:
FAH-related disorder. Also called: FAH-related condition.
Tyrosinemia type I (TYRSN1). Also called: HEPATORENAL TYROSINEMIA; FAH DEFICIENCY; Tyrosinemia type 1; Fumarylacetoacetase deficiency; Deficiency of fumarylacetoacetase. Identifiers: Orphanet 882, MedGen C0268490, MONDO:0010161, OMIM 276700. Disease mechanism: loss of function.

Allele frequency attached by ClinVar (database versions not stated): ESP Exome Variant Server 0.00008; gnomAD 0.00008; gnomAD exomes 0.00009; TOPMed 0.00009; ExAC 0.00012.
gnomAD v4.1: 102 of 1,610,758 alleles (0.0063%); highest among the groups gnomAD compares: South Asian, 0.021%; no homozygotes.

Submissions (4):

Labcorp Genetics (formerly Invitae), Labcorp
Classification: Likely benign for Tyrosinemia type I. Last evaluated: 2026-01-21. Review status: criteria provided, single submitter. Criteria: Invitae Variant Classification Sherloc (09022015). Collection method: clinical testing. Allele origin: germline.

Blueprint Genetics
Classification: Likely benign. Last evaluated: 2024-09-05. Review status: criteria provided, single submitter. Criteria: ACMG Guidelines, 2015. Collection method: clinical testing. Allele origin: germline.

PreventionGenetics, part of Exact Sciences
Classification: Likely benign for FAH-related condition. Last evaluated: 2022-03-02. Review status: no assertion criteria provided. Collection method: clinical testing. Allele origin: germline. Not counted in ClinVar's aggregate classification.
Comment: This variant is classified as likely benign based on ACMG/AMP sequence variant interpretation guidelines (Richards et al. 2015 PMID: 25741868, with internal and published modifications).

Natera, Inc.
Classification: Likely benign for Tyrosinemia type I. Last evaluated: 2019-06-27. Review status: no assertion criteria provided. Collection method: clinical testing. Allele origin: germline. Not counted in ClinVar's aggregate classification.

NM_000137.4(FAH):c.1008C>T (p.Asn336=)

Gene: FAH (fumarylacetoacetate hydrolase; plus strand). Cytogenetic location: 15q25.1.
Variant type: single nucleotide variant.
Coding change: c.1008C>T on transcript NM_000137.4 (MANE Select); coding-DNA position 1008, C replaced by T.
Protein change: p.Asn336=; no amino-acid change (asparagine 336 retained).
Molecular consequence: synonymous variant.
Genome position (GRCh38, 1-based): chr15:80,180,171, C>T. VCF-style: chr15-80180171-C-T. GRCh37 (hg19) VCF-style: chr15-80472513-C-T.
Other names: c.1008C>T (NM_000137.2); c.1008C>T, p.Asn336= (NM_001374377.1, NM_001374380.1).
Identifiers: ClinVar variation 1153592 (VCV001153592.15), dbSNP rs373285527, ClinGen allele CA7691437.